The following is an entry in ClinVar:

ClinVar aggregate classification (germline): Uncertain significance (1 of 4 stars; one submission).

Conditions:
Epileptic encephalopathy. Identifiers: MedGen C0543888, HP:0200134.

Allele frequency attached by ClinVar (database versions not stated): gnomAD exomes below 0.00001.

Submission:

Labcorp Genetics (formerly Invitae), Labcorp
Classification: Uncertain significance for Epileptic encephalopathy. Last evaluated: 2018-05-07. Review status: criteria provided, single submitter. Criteria: Invitae Variant Classification Sherloc (09022015). Collection method: clinical testing. Allele origin: germline.
Comment: In summary, the available evidence is currently insufficient to determine the role of this variant in disease. Therefore, it has been classified as a Variant of Uncertain Significance. Algorithms developed to predict the effect of missense changes on protein structure and function do not agree on the potential impact of this missense change (SIFT: "Deleterious"; PolyPhen-2: "Benign"; Align-GVGD: "Class C0"). This variant has not been reported in the literature in individuals with RYR3-related disease. This variant is not present in population databases (ExAC no frequency). This sequence change replaces alanine with threonine at codon 256 of the RYR3 protein (p.Ala256Thr). The alanine residue is moderately conserved and there is a small physicochemical difference between alanine and threonine.

NM_001036.6(RYR3):c.766G>A (p.Ala256Thr)

Gene: RYR3 (ryanodine receptor 3; plus strand). Cytogenetic location: 15q14.
Variant type: single nucleotide variant.
Coding change: c.766G>A on transcript NM_001036.6 (MANE Select); coding-DNA position 766, G replaced by A.
Protein change: p.Ala256Thr; replaces alanine 256 with threonine.
Molecular consequence: missense variant.
Genome position (GRCh38, 1-based): chr15:33,548,155, G>A. VCF-style: chr15-33548155-G-A. GRCh37 (hg19) VCF-style: chr15-33840356-G-A.
Other names: c.766G>A, p.Ala256Thr (NM_001243996.4); short protein forms A256T.
Identifiers: ClinVar variation 530997 (VCV000530997.8), dbSNP rs1555522270, ClinGen allele CA391561609.